The following is an entry in ClinVar:

NM_014336.5(AIPL1):c.784+5G>A

Gene: AIPL1 (AIP like 1 HSP90 co-chaperone; minus strand). Cytogenetic location: 17p13.2.
Variant type: single nucleotide variant.
Coding change: c.784+5G>A on transcript NM_014336.5 (MANE Select); 5 bases into the intron after coding-DNA position 784, G replaced by A.
Molecular consequence: intron variant. On other transcripts: synonymous variant (1).
Genome position (GRCh38, 1-based): chr17:6,426,610, C>T on the plus strand (G>A on the coding strand, the complement: AIPL1 is on the minus strand). VCF-style: chr17-6426610-C-T. GRCh37 (hg19) VCF-style: chr17-6329930-C-T.
Other names: c.765G>A, p.Ala255= (NM_001285403.4); c.604+5G>A (NM_001033055.3); c.718+5G>A (NM_001285400.3); c.748+5G>A (NM_001285399.3); c.595+5G>A (NM_001033054.3); c.712+5G>A (NM_001285401.3); c.667+5G>A (NM_001285402.2).
Identifiers: ClinVar variation 3544460 (VCV003544460.1).

ClinVar aggregate classification (germline): Uncertain significance (1 of 4 stars; one submission).

Conditions:
Leber congenital amaurosis (LCA). Also called: Leber's amaurosis. Identifiers: Orphanet 65, MedGen C0339527, MeSH D057130, MONDO:0018998.

Submission:

Lab De Baere, Eye and Developmental Genetics Lab, Ghent University
Classification: Uncertain significance for Leber congenital amaurosis. Last evaluated: 2024-10-01. Review status: criteria provided, single submitter. Criteria: ACMG Guidelines, 2015. Collection method: research. Allele origin: inherited. Affected: yes. Observed: 1 variant allele.
Comment: ACMG/AMP guidelines: PM2, PP3, PM3_PP